The following is an entry in ClinVar:

ClinVar aggregate classification (germline): Uncertain significance (1 of 4 stars; one submission).

Conditions:
Generalized epilepsy-paroxysmal dyskinesia syndrome (PNKD3). Also called: Generalized epilepsy and paroxysmal dyskinesia; Paroxysmal nonkinesigenic dyskinesia, 3, with or without generalized epilepsy. Identifiers: Orphanet 79137, MedGen C5574945, MONDO:0012276, OMIM 609446.

Submission:

Labcorp Genetics (formerly Invitae), Labcorp
Classification: Uncertain significance for Generalized epilepsy-paroxysmal dyskinesia syndrome. Last evaluated: 2023-02-08. Review status: criteria provided, single submitter. Criteria: Invitae Variant Classification Sherloc (09022015). Collection method: clinical testing. Allele origin: germline.
Comment: In summary, the available evidence is currently insufficient to determine the role of this variant in disease. Therefore, it has been classified as a Variant of Uncertain Significance. This variant has not been reported in the literature in individuals affected with KCNMA1-related conditions. This variant is not present in population databases (gnomAD no frequency). This variant, c.34_54dup, results in the insertion of 7 amino acid(s) of the KCNMA1 protein (p.Ser12_Gly18dup), but otherwise preserves the integrity of the reading frame.

NM_001161352.2(KCNMA1):c.34_54dup (p.Gly18_Gly19insSerGlyGlyGlyGlyGlyGly)

Gene: KCNMA1 (potassium calcium-activated channel subfamily M alpha 1; minus strand). Cytogenetic location: 10q22.3.
Variant type: Duplication.
Coding change: c.34_54dup on transcript NM_001161352.2 (MANE Select); coding-DNA positions 34 to 54, 21 bases duplicated (AGCGGCGGCGGCGGCGGCGGC).
Protein change: p.Gly18_Gly19insSerGlyGlyGlyGlyGlyGly.
Molecular consequence: inframe insertion.
Genome position (GRCh38, 1-based): chr10:77,637,589-77,637,609, GCCGCCGCCGCCGCCGCCGCT duplicated on the plus strand (AGCGGCGGCGGCGGCGGCGGC on the coding strand, the reverse complement: KCNMA1 is on the minus strand); duplicating any 21 consecutive bases within chr10:77,637,589-77,637,611 gives the same sequence; the c. name uses the placement nearest the transcript's 3' end. VCF-style (leftmost placement, unchanged base first): chr10-77637588-C-CGCCGCCGCCGCCGCCGCCGCT. GRCh37 (hg19) VCF-style: chr10-79397346-C-CGCCGCCGCCGCCGCCGCCGCT.
Other names: c.34_54dup, p.Gly18_Gly19insSerGlyGlyGlyGlyGlyGly (NM_001014797.3, NM_001161353.2, NM_001271518.2 and 13 more transcripts).
Identifiers: ClinVar variation 2792391 (VCV002792391.3), dbSNP rs2552275451, ClinGen allele CA1139655414.